The following is an entry in ClinVar:

NM_005888.3(SLC25A3):c.-258G>A

Gene: SLC25A3 (solute carrier family 25 member 3; plus strand). Cytogenetic location: 12q23.1.
Variant type: single nucleotide variant.
Coding change: c.-258G>A on transcript NM_005888.3; 258 bases upstream of the start codon, G replaced by A.
Genome position (GRCh38, 1-based): chr12:98,593,487, G>A. VCF-style: chr12-98593487-G-A. GRCh37 (hg19) VCF-style: chr12-98987265-G-A.
Identifiers: ClinVar variation 675592 (VCV000675592.3), dbSNP rs139200797, ClinGen allele CA13629537.

ClinVar aggregate classification (germline): Likely benign (1 of 4 stars; one submission).

Allele frequency attached by ClinVar (database versions not stated): 1000 Genomes Project 0.00719; gnomAD exomes 0.01068; TOPMed 0.01297; 1000 Genomes Project 30x 0.00765; gnomAD 0.01297 and 0.01254.

Submission:

GeneDx
Classification: Likely benign. Last evaluated: 2018-06-19. Review status: criteria provided, single submitter. Criteria: GeneDx Variant Classification (06012015). Collection method: clinical testing. Allele origin: germline. Affected: yes.
Comment: This variant is considered likely benign or benign based on one or more of the following criteria: it is a conservative change, it occurs at a poorly conserved position in the protein, it is predicted to be benign by multiple in silico algorithms, and/or has population frequency not consistent with disease.